The following is an entry in ClinVar:

ClinVar aggregate classification (germline): Pathogenic/Likely pathogenic. Review status: criteria provided, multiple submitters, no conflicts (2 of 4 stars). 7 submissions from 7 submitters: Pathogenic (1); Likely pathogenic (4). 2 of the submissions do not count toward it. Last evaluated 2025-08-08.

Conditions:
Deficiency of alpha-mannosidase (MANSA). Also called: LYSOSOMAL ALPHA-D-MANNOSIDASE DEFICIENCY; Mannosidosis, alpha-, types I and II; Alpha-Mannosidosis. Identifiers: Orphanet 61, MedGen C0024748, MONDO:0009561, OMIM 248500.

Allele frequency attached by ClinVar (database versions not stated): gnomAD exomes below 0.00001 and 0.00001; TOPMed 0.00002.
gnomAD v4.1: 7 of 1,614,080 alleles (0.00043%); highest among the groups gnomAD compares: Admixed American, 0.0017%; no homozygotes.

Submissions (7):

GeneDx
Classification: Pathogenic. Last evaluated: 2025-08-08. Review status: criteria provided, single submitter. Criteria: GeneDx Variant Classification Process June 2021. Collection method: clinical testing. Allele origin: germline. Affected: yes.
Comment: Published functional studies demonstrate a damaging effect on enzyme function (PMID: 22161967); In silico analysis supports that this missense variant has a deleterious effect on protein structure/function; Not observed at significant frequency in large population cohorts (gnomAD); This variant is associated with the following publications: (PMID: 21505070, 26048034, 29859105, 35871018, 24353136, 22161967)

Women's Health and Genetics/Laboratory Corporation of America, LabCorp
Classification: Likely pathogenic for Deficiency of alpha-mannosidase. Last evaluated: 2025-06-02. Review status: criteria provided, single submitter. Criteria: LabCorp Variant Classification Summary - May 2015. Collection method: clinical testing. Allele origin: germline.
Comment: Variant summary: MAN2B1 c.788C>T (p.Pro263Leu) results in a non-conservative amino acid change located in the Glycoside hydrolase family 38, N-terminal domain (IPR000602) of the encoded protein sequence. Algorithms developed to predict the effect of missense changes on protein structure and function all suggest that this variant is likely to be disruptive. The variant allele was found at a frequency of 8e-06 in 251294 control chromosomes. c.788C>T has been reported in compound heterozygous individuals affected with Alpha-Mannosidosis (Wu_2014, Riise Stensland_2012). These data indicate that the variant may be associated with disease. At least one publication reports experimental evidence evaluating an impact on protein function. The most pronounced variant effect results in less than or equal to 20% of normal alpha-mannosidase activity in transiently transfected BHK-21 or CHO-K1 cells (Riise Stensland_2012). The following publications have been ascertained in the context of this evaluation (PMID: 26048034, 29859105, 22161967, 24353136). ClinVar contains an entry for this variant (Variation ID: 208259). Based on the evidence outlined above, the variant was classified as likely pathogenic.

Labcorp Genetics (formerly Invitae), Labcorp
Classification: Likely pathogenic for Deficiency of alpha-mannosidase. Last evaluated: 2025-05-13. Review status: criteria provided, single submitter. Criteria: Invitae Variant Classification Sherloc (09022015). Collection method: clinical testing. Allele origin: germline.
Comment: This sequence change replaces proline, which is neutral and non-polar, with leucine, which is neutral and non-polar, at codon 263 of the MAN2B1 protein (p.Pro263Leu). This variant is present in population databases (no rsID available, gnomAD 0.004%). This missense change has been observed in individual(s) with alpha-mannosidosis (PMID: 22161967, 24353136). In at least one individual the data is consistent with being in trans (on the opposite chromosome) from a pathogenic variant. ClinVar contains an entry for this variant (Variation ID: 208259). Invitae Evidence Modeling of protein sequence and biophysical properties (such as structural, functional, and spatial information, amino acid conservation, physicochemical variation, residue mobility, and thermodynamic stability) has been performed for this missense variant. However, the output from this modeling did not meet the statistical confidence thresholds required to predict the impact of this variant on MAN2B1 protein function. Experimental studies have shown that this missense change affects MAN2B1 function (PMID: 22161967). In summary, the currently available evidence indicates that the variant is pathogenic, but additional data are needed to prove that conclusively. Therefore, this variant has been classified as Likely Pathogenic.

Fulgent Genetics
Classification: Likely pathogenic for Deficiency of alpha-mannosidase. Last evaluated: 2024-05-05. Review status: criteria provided, single submitter. Criteria: ACMG Guidelines, 2015. Collection method: clinical testing. Allele origin: germline.

Baylor Genetics
Classification: Likely pathogenic for Deficiency of alpha-mannosidase. Last evaluated: 2023-08-02. Review status: criteria provided, single submitter. Criteria: ACMG Guidelines, 2015. Collection method: clinical testing. Allele origin: unknown.

Natera, Inc.
Classification: Likely pathogenic for Alpha-mannosidosis. Last evaluated: 2020-09-16. Review status: no assertion criteria provided. Collection method: clinical testing. Allele origin: germline. Not counted in ClinVar's aggregate classification.

ClinVar Staff, National Center for Biotechnology Information (NCBI)
Classification: Uncertain significance for Deficiency of alpha-mannosidase. Last evaluated: 2012-06-07. Review status: no assertion criteria provided. Collection method: literature only. Allele origin: germline. Affected: yes. Not counted in ClinVar's aggregate classification.

Literature cited by the submitters: PubMed 22161967 (cited by 3 submitters); PubMed 26048034 (cited by Women's Health and Genetics/Laboratory Corporation of America, LabCorp); PubMed 29859105 (cited by Women's Health and Genetics/Laboratory Corporation of America, LabCorp); PubMed 24353136 (cited by Women's Health and Genetics/Laboratory Corporation of America, LabCorp and Labcorp Genetics (formerly Invitae), Labcorp).

NM_000528.4(MAN2B1):c.788C>T (p.Pro263Leu)

Gene: MAN2B1 (mannosidase alpha class 2B member 1; minus strand). Cytogenetic location: 19p13.13.
Variant type: single nucleotide variant.
Coding change: c.788C>T on transcript NM_000528.4 (MANE Select); coding-DNA position 788, C replaced by T.
Protein change: p.Pro263Leu; replaces proline 263 with leucine.
Molecular consequence: missense variant.
Genome position (GRCh38, 1-based): chr19:12,663,438, G>A on the plus strand (C>T on the coding strand, the complement: MAN2B1 is on the minus strand). VCF-style: chr19-12663438-G-A. GRCh37 (hg19) VCF-style: chr19-12774252-G-A.
Other names: c.788C>T, p.Pro263Leu (NM_001173498.2); short protein forms P263L.
Identifiers: ClinVar variation 208259 (VCV000208259.15), dbSNP rs746808159, ClinGen allele CA350992.